The following is an entry in ClinVar:

ClinVar aggregate classification (germline): Likely benign. Review status: criteria provided, multiple submitters, no conflicts (2 of 4 stars). 3 submissions from 3 submitters: Likely benign (3). Last evaluated 2025-02-12.

Conditions:
Cortical dysplasia-focal epilepsy syndrome (PTHSL1). Also called: Pitt-Hopkins-like syndrome 1. Identifiers: Orphanet 163681, Orphanet 221150, MedGen C2750246, MONDO:0012400, OMIM 610042.

Allele frequency attached by ClinVar (database versions not stated): gnomAD exomes 0.00001; ExAC 0.00002; TOPMed 0.00002; gnomAD 0.00003.
gnomAD v4.1: 12 of 1,613,648 alleles (0.00074%); highest among the groups gnomAD compares: African/African-American, 0.0053%; no homozygotes.

Submissions (3):

Labcorp Genetics (formerly Invitae), Labcorp
Classification: Likely benign for Cortical dysplasia-focal epilepsy syndrome. Last evaluated: 2025-02-12. Review status: criteria provided, single submitter. Criteria: Invitae Variant Classification Sherloc (09022015). Collection method: clinical testing. Allele origin: germline.

GeneDx
Classification: Likely benign. Last evaluated: 2020-07-13. Review status: criteria provided, single submitter. Criteria: GeneDx Variant Classification Process June 2021. Collection method: clinical testing. Allele origin: germline. Affected: yes.
Comment: See Variant Classification Assertion Criteria.

Genetic Services Laboratory, University of Chicago
Classification: Likely benign. Last evaluated: 2016-04-12. Review status: criteria provided, single submitter. Criteria: ACMG Guidelines, 2015. Collection method: clinical testing. Allele origin: germline. Affected: no.

NM_014141.6(CNTNAP2):c.3783G>A (p.Ser1261=)

Gene: CNTNAP2 (contactin associated protein 2; plus strand). Cytogenetic location: 7q36.1.
Variant type: single nucleotide variant.
Coding change: c.3783G>A on transcript NM_014141.6 (MANE Select); coding-DNA position 3783, G replaced by A.
Protein change: p.Ser1261=; no amino-acid change (serine 1261 retained).
Molecular consequence: synonymous variant.
Genome position (GRCh38, 1-based): chr7:148,409,458, G>A. VCF-style: chr7-148409458-G-A. GRCh37 (hg19) VCF-style: chr7-148106550-G-A.
Identifiers: ClinVar variation 434801 (VCV000434801.16), dbSNP rs778395783, ClinGen allele CA4546782.